The following is an entry in ClinVar:

NM_012431.3(SEMA3E):c.780C>G (p.His260Gln)

Gene: SEMA3E (semaphorin 3E; minus strand). Cytogenetic location: 7q21.11.
Variant type: single nucleotide variant.
Coding change: c.780C>G on transcript NM_012431.3 (MANE Select); coding-DNA position 780, C replaced by G.
Protein change: p.His260Gln; replaces histidine 260 with glutamine.
Molecular consequence: missense variant.
Genome position (GRCh38, 1-based): chr7:83,407,130, G>C on the plus strand (C>G on the coding strand, the complement: SEMA3E is on the minus strand). VCF-style: chr7-83407130-G-C. GRCh37 (hg19) VCF-style: chr7-83036446-G-C.
Other names: c.600C>G, p.His200Gln (NM_001178129.2); short protein forms H200Q, H260Q.
Identifiers: ClinVar variation 3348553 (VCV003348553.1).
Genomic context (GRCh38, chr7:83,407,130, plus strand): 5'-CAAGCATAATGAGAGAGAAAGCCTCACCACACAGAGTCGCCCGACCCTGGTGTAAATTGC[G>C]TGAGCATTGTTTTCTGCCTCCAGTGCCTTCTCAGTAAAAAAGAAATATACTTTGTTGTCA-3'
Protein context (NP_036563.1, residues 250-270): EKALEAENNA[His260Gln]AIYTRVGRLC

ClinVar aggregate classification (germline): Uncertain significance (0 of 4 stars; one submission).

Conditions:
SEMA3E-related disorder. Also called: SEMA3E-related condition.

gnomAD v4.1: 1 of 1,613,522 alleles (0.000062%); highest among the groups gnomAD compares: Non-Finnish European, 0.000085%; no homozygotes.

Submission:

PreventionGenetics, part of Exact Sciences
Classification: Uncertain significance for SEMA3E-related condition. Last evaluated: 2024-04-05. Review status: no assertion criteria provided. Collection method: clinical testing. Allele origin: germline.
Comment: The SEMA3E c.780C>G variant is predicted to result in the amino acid substitution p.His260Gln. To our knowledge, this variant has not been reported in the literature or in a large population database, indicating this variant is rare. At this time, the clinical significance of this variant is uncertain due to the absence of conclusive functional and genetic evidence.